The following is an entry in ClinVar:

ClinVar aggregate classification (germline): Uncertain significance. Review status: criteria provided, single submitter (1 of 4 stars). 2 submissions from 2 submitters: Uncertain significance (1). 1 of the submissions does not count toward it. Last evaluated 2025-12-08.

Conditions:
VHL-related disorder. Also called: VHL-related condition.
Von Hippel-Lindau syndrome (VHLS). Also called: Von Hippel-Lindau; von Hippel–Lindau syndrome; VHL syndrome. Identifiers: Orphanet 892, MedGen C0019562, MONDO:0008667, OMIM 193300. Disease mechanism: loss of function.
Chuvash polycythemia. Also called: POLYCYTHEMIA, VHL-DEPENDENT. Identifiers: Orphanet 238557, MedGen C1837915, MONDO:0009892, OMIM 263400.

Submissions (2):

Labcorp Genetics (formerly Invitae), Labcorp
Classification: Uncertain significance for Von Hippel-Lindau syndrome; Chuvash polycythemia. Last evaluated: 2025-12-08. Review status: criteria provided, single submitter. Criteria: Invitae Variant Classification Sherloc (09022015). Collection method: clinical testing. Allele origin: germline.
Comment: This sequence change falls in intron 1 of the VHL gene. It is not expected to change the encoded amino acid sequence of the VHL protein. However, this sequence change falls within a cryptic exon in the VHL gene, known as exon E1’, which is naturally expressed at low levels in several human tissues (PMID: 29891534). This variant is present in population databases (no rsID available, gnomAD 0.007%). This variant has not been reported in the literature in individuals affected with VHL-related conditions. ClinVar contains an entry for this variant (Variation ID: 1047639). Experimental studies and prediction algorithms are not available or were not evaluated, and the functional significance of this variant is currently unknown. Studies have shown that this variant is associated with inconclusive levels of altered splicing (internal data). In summary, the available evidence is currently insufficient to determine the role of this variant in disease. Therefore, it has been classified as a Variant of Uncertain Significance.

PreventionGenetics, part of Exact Sciences
Classification: Uncertain significance for VHL-related condition. Last evaluated: 2024-07-30. Review status: no assertion criteria provided. Collection method: clinical testing. Allele origin: germline. Not counted in ClinVar's aggregate classification.
Comment: The VHL c.460_467dup8 variant is predicted to result in a frameshift and premature protein termination (p.Asp156Glufs*11). Using an alternate transcript (NM_000551.4), which is present in the Human Gene Mutation Database (HGMD), this variant is an intronic change that is not predicted to impact splicing (c.340+695_340+702dup). To our knowledge, this variant has not been reported in the literature. This variant is reported in 0.0065% of alleles in individuals of European (non-Finnish) descent in gnomAD. At this time, the clinical significance of this variant is uncertain due to the absence of conclusive functional and genetic evidence.

Literature cited by the submitters: PubMed 29891534 (cited by Labcorp Genetics (formerly Invitae), Labcorp).

NM_000551.4(VHL):c.340+695_340+702dup

Genes: VHL (von Hippel-Lindau tumor suppressor; plus strand), LOC107303340 (3p25 von Hippel-Lindau tumor suppressor, E3 ubiquitin protein ligase Alu-mediated recombination region; plus strand). Cytogenetic location: 3p25.3.
Variant type: Duplication.
Coding change: c.340+695_340+702dup on transcript NM_000551.4 (MANE Select); bases 695 to 702 of the intron after coding-DNA position 340, 8 bases duplicated (AGAGCCGA; older notation c.340+695_340+702dupAGAGCCGA).
Molecular consequence: intron variant. On other transcripts: frameshift variant (1).
Genome position (GRCh38, 1-based): chr3:10,142,882-10,142,889, AGAGCCGA duplicated; duplicating any 8 consecutive bases within chr3:10,142,880-10,142,889 gives the same sequence; the c. name uses the placement nearest the transcript's 3' end. VCF-style (leftmost placement, unchanged base first): chr3-10142879-G-GGAAGAGCC. GRCh37 (hg19) VCF-style: chr3-10184563-G-GGAAGAGCC.
Other names: c.340+695_340+702dup (NM_198156.3); c.460_467dup, p.Asp156fs (NM_001354723.2); c.460_467dup8 (NM_001354723.1); short protein forms D156fs.
Identifiers: ClinVar variation 1047639 (VCV001047639.10), dbSNP rs1381868678, ClinGen allele CA540875886.